The following is an entry in ClinVar:

NM_001042492.3(NF1):c.5392C>T (p.Gln1798Ter)

Gene: NF1 (neurofibromin 1; plus strand). Cytogenetic location: 17q11.2.
Variant type: single nucleotide variant.
Coding change: c.5392C>T on transcript NM_001042492.3 (MANE Select); coding-DNA position 5392, C replaced by T.
Protein change: p.Gln1798Ter; replaces glutamine 1798 with a stop codon.
Molecular consequence: nonsense.
Genome position (GRCh38, 1-based): chr17:31,327,622, C>T. VCF-style: chr17-31327622-C-T. GRCh37 (hg19) VCF-style: chr17-29654640-C-T.
Other names: c.5329C>T, p.Gln1777Ter (NM_000267.4); short protein forms Q1777*, Q1798*.
Identifiers: ClinVar variation 818196 (VCV000818196.11), dbSNP rs1597832043, ClinGen allele CA399009338.

ClinVar aggregate classification (germline): Pathogenic. Review status: criteria provided, multiple submitters, no conflicts (2 of 4 stars). 5 submissions from 5 submitters: Pathogenic (5). Last evaluated 2026-06-30.

Conditions:
Cardiovascular phenotype. Identifiers: MedGen CN230736.
Hereditary cancer-predisposing syndrome. Also called: Tumor predisposition; Hereditary Cancer Syndrome; Neoplastic Syndromes, Hereditary; Hereditary neoplastic syndrome. Identifiers: Orphanet 140162, MedGen C0027672, MeSH D009386, MONDO:0015356.
Neurofibromatosis, type 1 (NF1). Also called: NEUROFIBROMATOSIS, TYPE I, SOMATIC; VON RECKLINGHAUSEN DISEASE; Neurofibromatosis, type I; Peripheral type neurofibromatosis. Identifiers: Orphanet 636, MedGen C0027831, MONDO:0018975, OMIM 162200. Disease mechanism: loss of function.
Tibial pseudarthrosis. Identifiers: MedGen C4024216, HP:0009736.
Café-au-lait macules with pulmonary stenosis (WTSN). Also called: PULMONIC STENOSIS WITH CAFE-AU-LAIT SPOTS. Identifiers: MedGen C0553586, MONDO:0008672, OMIM 193520.
Neurofibromatosis-Noonan syndrome (NFNS). Also called: NEUROFIBROMATOSIS WITH NOONAN PHENOTYPE. Identifiers: Orphanet 638, MedGen C2931482, MONDO:0011035, OMIM 601321. Disease mechanism: loss of function.

Submissions (5):

Ambry Genetics
Classification: Pathogenic for Cardiovascular phenotype; Hereditary cancer-predisposing syndrome. Last evaluated: 2026-06-30. Review status: criteria provided, single submitter. Criteria: Ambry Variant Classification Scheme 2023. Collection method: clinical testing. Allele origin: germline.
Comment: The p.Q1777* pathogenic mutation (also known as c.5329C>T), located in coding exon 37 of the NF1 gene, results from a C to T substitution at nucleotide position 5329. This changes the amino acid from a glutamine to a stop codon within coding exon 37. This variant was reported in individuals with features consistent with Neurofibromatosis type 1 (Fahsold R et al. Am J Hum Genet, 2000 Mar;66:790-818; Zhu G et al. Orphanet J Rare Dis, 2019 Sep;14:221). Sayn Kocakap DB et al. Balkan J Med Genet, 2021 Nov;24:99-102; Gjorgjievska M et al. Balkan Med J, 2023 Jul;40:252-261). This variant is considered to be rare based on population cohorts in the Genome Aggregation Database (gnomAD). This alteration is expected to result in loss of function by premature protein truncation or nonsense-mediated mRNA decay. As such, this alteration is interpreted as a disease-causing mutation.

Labcorp Genetics (formerly Invitae), Labcorp
Classification: Pathogenic for Neurofibromatosis, type 1. Last evaluated: 2025-06-10. Review status: criteria provided, single submitter. Criteria: Invitae Variant Classification Sherloc (09022015). Collection method: clinical testing. Allele origin: germline.
Comment: This sequence change creates a premature translational stop signal (p.Gln1777*) in the NF1 gene. It is expected to result in an absent or disrupted protein product. Loss-of-function variants in NF1 are known to be pathogenic (PMID: 10712197, 23913538). This variant is not present in population databases (gnomAD no frequency). This premature translational stop signal has been observed in individual(s) with neurofibromatosis type 1 (PMID: 10712197). Invitae Evidence Modeling of clinical and family history, age, sex, and reported ancestry of multiple individuals with this NF1 variant has been performed. This variant is expected to be pathogenic with a positive predictive value of at least 99%. This is a validated machine learning model that incorporates the clinical features of 1,785,918 individuals referred to our laboratory for NF1 testing. ClinVar contains an entry for this variant (Variation ID: 818196). For these reasons, this variant has been classified as Pathogenic.

Institute of Immunology and Genetics Kaiserslautern
Classification: Pathogenic for Neurofibromatosis, type 1; Neurofibromatosis-Noonan syndrome; Café-au-lait macules with pulmonary stenosis. Last evaluated: 2025-04-15. Review status: criteria provided, single submitter. Criteria: ACMG Guidelines, 2015. Collection method: clinical testing. Allele origin: de novo. Affected: yes.
Comment: ACMG Criteria: PVS1, PS2, PM2, PP1, PP5; Variant was found in heterozygous state. De novo-status was confirmed via in-house segregation analysis.

Genome-Nilou Lab
Classification: Pathogenic for Neurofibromatosis, type 1. Last evaluated: 2022-03-15. Review status: criteria provided, single submitter. Criteria: ACMG Guidelines, 2015. Collection method: clinical testing. Allele origin: germline. Affected: no.

The Laboratory of Genetics and Metabolism, Hunan Children’s Hospital
Classification: Pathogenic for Neurofibromatosis, type 1; Tibial pseudoarthrosis. Last evaluated: 2018-11-10. Review status: criteria provided, single submitter. Criteria: ACMG Guidelines, 2015. Collection method: research. Allele origin: paternal. Affected: yes. Observed: 1 variant allele.

Literature cited by the submitters: PubMed 10712197 (cited by Ambry Genetics and Labcorp Genetics (formerly Invitae), Labcorp); PubMed 31533797 (cited by Ambry Genetics and The Laboratory of Genetics and Metabolism, Hunan Children’s Hospital); PubMed 36249525 (cited by Ambry Genetics); PubMed 37073110 (cited by Ambry Genetics); PubMed 23913538 (cited by Labcorp Genetics (formerly Invitae), Labcorp).